The following is an entry in ClinVar:

NM_004153.4(ORC1):c.2531G>A (p.Arg844Gln)

Gene: ORC1 (origin recognition complex subunit 1; minus strand). Cytogenetic location: 1p32.3.
Variant type: single nucleotide variant.
Coding change: c.2531G>A on transcript NM_004153.4 (MANE Select); coding-DNA position 2531, G replaced by A.
Protein change: p.Arg844Gln; replaces arginine 844 with glutamine.
Molecular consequence: missense variant.
Genome position (GRCh38, 1-based): chr1:52,373,236, C>T on the plus strand (G>A on the coding strand, the complement: ORC1 is on the minus strand). VCF-style: chr1-52373236-C-T. GRCh37 (hg19) VCF-style: chr1-52838908-C-T.
Other names: c.2531G>A, p.Arg844Gln (NM_001190818.2); c.2516G>A, p.Arg839Gln (NM_001190819.2); short protein forms R839Q, R844Q.
Identifiers: ClinVar variation 1909061 (VCV001909061.5), dbSNP rs1313419907, ClinGen allele CA340343866.

ClinVar aggregate classification (germline): Uncertain significance. Review status: criteria provided, multiple submitters, no conflicts (2 of 4 stars). 2 submissions from 2 submitters: Uncertain significance (2). Last evaluated 2022-07-15.

Allele frequency attached by ClinVar (database versions not stated): gnomAD 0.00001; gnomAD exomes 0.00001; TOPMed 0.00001.
gnomAD v4.1: 13 of 1,614,084 alleles (0.00081%); highest among the groups gnomAD compares: South Asian, 0.0044%; no homozygotes.

Submissions (2):

Labcorp Genetics (formerly Invitae), Labcorp
Classification: Uncertain significance. Last evaluated: 2022-07-15. Review status: criteria provided, single submitter. Criteria: Invitae Variant Classification Sherloc (09022015). Collection method: clinical testing. Allele origin: germline.
Comment: In summary, the available evidence is currently insufficient to determine the role of this variant in disease. Therefore, it has been classified as a Variant of Uncertain Significance. This sequence change replaces arginine, which is basic and polar, with glutamine, which is neutral and polar, at codon 844 of the ORC1 protein (p.Arg844Gln). This variant is present in population databases (no rsID available, gnomAD 0.003%). This variant has not been reported in the literature in individuals affected with ORC1-related conditions. Algorithms developed to predict the effect of missense changes on protein structure and function are either unavailable or do not agree on the potential impact of this missense change (SIFT: "Tolerated"; PolyPhen-2: "Probably Damaging"; Align-GVGD: "Class C0").

Blueprint Genetics
Classification: Uncertain significance. Last evaluated: 2019-06-20. Review status: criteria provided, single submitter. Criteria: ACMG Guidelines, 2015. Collection method: clinical testing. Allele origin: germline.